The following is an entry in ClinVar:

NM_005633.4(SOS1):c.37G>C (p.Glu13Gln)

Genes: SOS1 (SOS Ras/Rac guanine nucleotide exchange factor 1; minus strand), LOC129933535 (ATAC-STARR-seq lymphoblastoid silent region 11384; plus strand). Cytogenetic location: 2p22.1.
Variant type: single nucleotide variant.
Coding change: c.37G>C on transcript NM_005633.4 (MANE Select); coding-DNA position 37, G replaced by C.
Protein change: p.Glu13Gln; replaces glutamic acid 13 with glutamine.
Molecular consequence: missense variant. On other transcripts: intron variant (1).
Genome position (GRCh38, 1-based): chr2:39,120,386, C>G on the plus strand (G>C on the coding strand, the complement: SOS1 is on the minus strand). VCF-style: chr2-39120386-C-G. GRCh37 (hg19) VCF-style: chr2-39347527-C-G.
Other names: c.37G>C, p.Glu13Gln (NM_001382395.1); c.66+4278G>C (NM_001382394.1); short protein forms E13Q.
Identifiers: ClinVar variation 1976288 (VCV001976288.5), dbSNP rs766698773, ClinGen allele CA1624897.
Genomic context (GRCh38, chr2:39,120,386, plus strand): 5'-TGCTCCTCACCTTTTTCAGCGCAGGCACCAGTAGTCCCCGCCACTTGGGCGCGTTCTCTT[C>G]GCTGAAAAACTCGTAGGGCAGCTGCTGCGCCTGCATGGTGCCCCCGGGGCGCCTCTGGGC-3'
Protein context (NP_005624.2, residues 3-23): AQQLPYEFFS[Glu13Gln]ENAPKWRGLL

ClinVar aggregate classification (germline): Uncertain significance (1 of 4 stars; one submission).

Conditions:
RASopathy. Also called: rasopathies; Noonan spectrum disorder. Identifiers: Orphanet 536391, MedGen C5555857, MONDO:0021060.

Allele frequency attached by ClinVar (database versions not stated): ExAC 0.00001.
gnomAD v4.1: 2 of 1,601,848 alleles (0.00012%); highest among the groups gnomAD compares: Non-Finnish European, 0.00017%; no homozygotes.

Submission:

Labcorp Genetics (formerly Invitae), Labcorp
Classification: Uncertain significance for RASopathy. Last evaluated: 2024-11-10. Review status: criteria provided, single submitter. Criteria: Invitae Variant Classification Sherloc (09022015). Collection method: clinical testing. Allele origin: germline.
Comment: This sequence change replaces glutamic acid, which is acidic and polar, with glutamine, which is neutral and polar, at codon 13 of the SOS1 protein (p.Glu13Gln). The frequency data for this variant in the population databases is considered unreliable, as metrics indicate poor data quality at this position in the gnomAD database. This variant has not been reported in the literature in individuals affected with SOS1-related conditions. ClinVar contains an entry for this variant (Variation ID: 1976288). Invitae Evidence Modeling of protein sequence and biophysical properties (such as structural, functional, and spatial information, amino acid conservation, physicochemical variation, residue mobility, and thermodynamic stability) indicates that this missense variant is expected to disrupt SOS1 protein function with a positive predictive value of 95%. In summary, the available evidence is currently insufficient to determine the role of this variant in disease. Therefore, it has been classified as a Variant of Uncertain Significance.